The following is an entry in ClinVar:

ClinVar aggregate classification (germline): Uncertain significance (1 of 4 stars; one submission).

Conditions:
Left-right axis malformations. Identifiers: MedGen C1866091.

Allele frequency attached by ClinVar (database versions not stated): TOPMed 0.00001.
gnomAD v4.1: 1 of 1,544,818 alleles (0.000065%); highest among the groups gnomAD compares: African/African-American, 0.0014%; no homozygotes.

Submission:

Labcorp Genetics (formerly Invitae), Labcorp
Classification: Uncertain significance for Left-right axis malformations. Last evaluated: 2020-09-24. Review status: criteria provided, single submitter. Criteria: Invitae Variant Classification Sherloc (09022015). Collection method: clinical testing. Allele origin: germline.
Comment: In summary, the available evidence is currently insufficient to determine the role of this variant in disease. Therefore, it has been classified as a Variant of Uncertain Significance. Algorithms developed to predict the effect of missense changes on protein structure and function (SIFT, PolyPhen-2, Align-GVGD) all suggest that this variant is likely to be tolerated, but these predictions have not been confirmed by published functional studies and their clinical significance is uncertain. This variant has not been reported in the literature in individuals with LEFTY2-related conditions. The frequency data for this variant in the population databases is considered unreliable, as metrics indicate insufficient coverage at this position in the ExAC database. This sequence change replaces glycine with arginine at codon 134 of the LEFTY2 protein (p.Gly134Arg). The glycine residue is weakly conserved and there is a moderate physicochemical difference between glycine and arginine.

NM_003240.5(LEFTY2):c.400G>A (p.Gly134Arg)

Gene: LEFTY2 (left-right determination factor 2; minus strand). Cytogenetic location: 1q42.12.
Variant type: single nucleotide variant.
Coding change: c.400G>A on transcript NM_003240.5 (MANE Select); coding-DNA position 400, G replaced by A.
Protein change: p.Gly134Arg; replaces glycine 134 with arginine.
Molecular consequence: missense variant.
Genome position (GRCh38, 1-based): chr1:225,939,853, C>T on the plus strand (G>A on the coding strand, the complement: LEFTY2 is on the minus strand). VCF-style: chr1-225939853-C-T. GRCh37 (hg19) VCF-style: chr1-226127553-C-T.
Other names: c.298G>A, p.Gly100Arg (NM_001172425.3); short protein forms G100R, G134R.
Identifiers: ClinVar variation 1038741 (VCV001038741.8), dbSNP rs754829336, ClinGen allele CA345016431.